The following is an entry in ClinVar:

NM_025137.4(SPG11):c.6706G>A (p.Glu2236Lys)

Gene: SPG11 (SPG11 vesicle trafficking associated, spatacsin; minus strand). Cytogenetic location: 15q21.1.
Variant type: single nucleotide variant.
Coding change: c.6706G>A on transcript NM_025137.4 (MANE Select); coding-DNA position 6706, G replaced by A.
Protein change: p.Glu2236Lys; replaces glutamic acid 2236 with lysine.
Molecular consequence: missense variant.
Genome position (GRCh38, 1-based): chr15:44,567,472, C>T on the plus strand (G>A on the coding strand, the complement: SPG11 is on the minus strand). VCF-style: chr15-44567472-C-T. GRCh37 (hg19) VCF-style: chr15-44859670-C-T.
Other names: c.6367G>A, p.Glu2123Lys (NM_001160227.2); c.6562G>A, p.Glu2188Lys (NM_001411132.1); short protein forms E2123K, E2188K, E2236K.
Identifiers: ClinVar variation 1755021 (VCV001755021.2), dbSNP rs369245384, ClinGen allele CA7534039.

ClinVar aggregate classification (germline): Uncertain significance (1 of 4 stars; one submission).

Conditions:
Inborn genetic diseases. Identifiers: MedGen C0950123, MeSH D030342.

gnomAD v4.1: 14 of 1,613,894 alleles (0.00087%); highest among the groups gnomAD compares: South Asian, 0.0088%; no homozygotes.

Submission:

Ambry Genetics
Classification: Uncertain significance for Inborn genetic diseases. Last evaluated: 2020-02-14. Review status: criteria provided, single submitter. Criteria: Ambry Variant Classification Scheme 2023. Collection method: clinical testing. Allele origin: germline.
Comment: The p.E2236K variant (also known as c.6706G>A), located in coding exon 36 of the SPG11 gene, results from a G to A substitution at nucleotide position 6706. The glutamic acid at codon 2236 is replaced by lysine, an amino acid with similar properties. This amino acid position is highly conserved in available vertebrate species. In addition, this alteration is predicted to be deleterious by in silico analysis. Since supporting evidence is limited at this time, the clinical significance of this alteration remains unclear.